The following is an entry in ClinVar:

NM_182914.3(SYNE2):c.9377_9378insGAAA (p.Asn3126fs)

Gene: SYNE2 (spectrin repeat containing nuclear envelope protein 2; plus strand). Cytogenetic location: 14q23.2.
Variant type: Insertion.
Coding change: c.9377_9378insGAAA on transcript NM_182914.3 (MANE Select); coding-DNA positions 9377 to 9378, GAAA inserted.
Protein change: p.Asn3126fs; shifts the reading frame from asparagine 3126.
Molecular consequence: frameshift variant.
Genome position: GRCh38 VCF-style: chr14-64053288-G-GAAGA. GRCh37 (hg19) VCF-style: chr14-64520006-G-GAAGA.
Other names: c.9377_9378insGAAA, p.Asn3126fs (NM_015180.6); short protein forms N3126fs.
Identifiers: ClinVar variation 3722213 (VCV003722213.2).
Genomic context (GRCh38, chr14:64,053,288, plus strand): 5'-AAATGAAAATAAGACCTTTGATGACTCATTCAAGGAGAAAGAAATACTACAAATAAAGCT[G>GAAGA]AATGCAGAAGAAAATGATAAGTTATACAAAGTTCTCCAAAACATGGTATTAGAACTCTCA-3'

ClinVar aggregate classification (germline): Uncertain significance (1 of 4 stars; one submission).

Conditions:
Emery-Dreifuss muscular dystrophy 5, autosomal dominant (EDMD5). Also called: EMERY-DREIFUSS MUSCULAR DYSTROPHY 5. Identifiers: Orphanet 261, MedGen C2751805, MONDO:0013072, OMIM 612999.

Submission:

Labcorp Genetics (formerly Invitae), Labcorp
Classification: Uncertain significance for Emery-Dreifuss muscular dystrophy 5, autosomal dominant. Last evaluated: 2024-10-04. Review status: criteria provided, single submitter. Criteria: Invitae Variant Classification Sherloc (09022015). Collection method: clinical testing. Allele origin: germline.
Comment: This sequence change creates a premature translational stop signal (p.Asn3126Lysfs*7) in the SYNE2 gene. It is expected to result in an absent or disrupted protein product. However, the current clinical and genetic evidence is not sufficient to establish whether loss-of-function variants in SYNE2 cause disease. This variant is not present in population databases (gnomAD no frequency). This variant has not been reported in the literature in individuals affected with SYNE2-related conditions. In summary, the available evidence is currently insufficient to determine the role of this variant in disease. Therefore, it has been classified as a Variant of Uncertain Significance.